The following is an entry in ClinVar:

NM_001039.4(SCNN1G):c.146_149dup (p.Leu51fs)

Gene: SCNN1G (sodium channel epithelial 1 subunit gamma; plus strand). Cytogenetic location: 16p12.2.
Variant type: Duplication.
Coding change: c.146_149dup on transcript NM_001039.4 (MANE Select); coding-DNA positions 146 to 149, 4 bases duplicated (GCCG; older notation c.146_149dupGCCG).
Protein change: p.Leu51fs; shifts the reading frame from leucine 51.
Molecular consequence: frameshift variant.
Genome position (GRCh38, 1-based): chr16:23,186,417-23,186,420, GCCG duplicated; duplicating any 4 consecutive bases within chr16:23,186,415-23,186,420 gives the same sequence; the c. name uses the placement nearest the transcript's 3' end. VCF-style (leftmost placement, unchanged base first): chr16-23186414-G-GCGGC. GRCh37 (hg19) VCF-style: chr16-23197735-G-GCGGC.
Other names: short protein forms L51fs.
Identifiers: ClinVar variation 280615 (VCV000280615.2), dbSNP rs886041786, ClinGen allele CA10603521.
Genomic context (GRCh38, chr16:23,186,414, plus strand): 5'-TGATGCGGTGGTACTGCCTCAACACCAACACCCATGGCTGTCGCCGCATCGTGGTGTCCC[G>GCGGC]CGGCCGTCTGCGCCGCCTCCTCTGGATCGGGTTCACACTGACTGCCGTGGCCCTCATCCT-3'

ClinVar aggregate classification (germline): Pathogenic (1 of 4 stars; one submission).

Submission:

GeneDx
Classification: Pathogenic. Last evaluated: 2016-05-16. Review status: criteria provided, single submitter. Criteria: GeneDx Variant Classification (06012015). Collection method: clinical testing. Allele origin: germline. Affected: yes.
Comment: The c.146_149dupGCCG pathogenic variant in the SCNN1G gene has not been reported previously as a pathogenic variant nor as a benign variant, to our knowledge. This variant causes a frameshift starting with codon Leucine 51, changes this amino acid to a Proline residue, and creates a premature Stop codon at position 67 of the new reading frame, denoted p.Leu51ProfsX67. This variant is predicted to cause loss of normal protein function either through protein truncation or nonsense-mediated mRNA decay. The c.146_149dupGCCG variant was not observed in approximately 6500 individuals of European and African American ancestry in the NHLBI Exome Sequencing Project, indicating it is not a common benign variant in these populations. We interpret c.146_149dupGCCG as a pathogenic variant.